The following is an entry in ClinVar:

NM_015378.4(VPS13D):c.1183C>T (p.Arg395Ter)

Gene: VPS13D (vacuolar protein sorting 13 homolog D; plus strand). Cytogenetic location: 1p36.22.
Variant type: single nucleotide variant.
Coding change: c.1183C>T on transcript NM_015378.4 (MANE Select); coding-DNA position 1183, C replaced by T.
Protein change: p.Arg395Ter; replaces arginine 395 with a stop codon.
Molecular consequence: nonsense.
Genome position (GRCh38, 1-based): chr1:12,260,765, C>T. VCF-style: chr1-12260765-C-T. GRCh37 (hg19) VCF-style: chr1-12320822-C-T.
Other names: c.1183C>T, p.Arg395Ter (NM_018156.4); short protein forms R395*.
Identifiers: ClinVar variation 1029390 (VCV001029390.1), dbSNP rs752359125, ClinGen allele CA338462814.
Genomic context (GRCh38, chr1:12,260,765, plus strand): 5'-CGGATTGAAGAGGAACAGAGCTTTGAGGAATTGAAGATTTTGCGTGAACTGGTTCATGAT[C>T]GATTTCACAAACAGGAAGAACTAGCAGAGGTAAGAAATCCTCTACAAGAGGATTTGTTCA-3'

ClinVar aggregate classification (germline): Likely pathogenic (1 of 4 stars; one submission).

Conditions:
Autosomal recessive cerebellar ataxia-saccadic intrusion syndrome. Also called: SPINOCEREBELLAR ATAXIA 24; VPS13D Movement Disorder. Identifiers: Orphanet 95434, MedGen C1846492, MONDO:0011811, OMIM 607317.

Allele frequency attached by ClinVar (database versions not stated): gnomAD exomes below 0.00001.
gnomAD v4.1: 4 of 1,614,064 alleles (0.00025%); highest among the groups gnomAD compares: African/African-American, 0.0013%; no homozygotes.

Submission:

Baylor Genetics
Classification: Likely pathogenic for Autosomal recessive cerebellar ataxia-saccadic intrusion syndrome. Last evaluated: 2019-08-30. Review status: criteria provided, single submitter. Criteria: ACMG Guidelines, 2015. Collection method: clinical testing. Allele origin: unknown. Affected: yes.
Comment: This variant was determined to be likely pathogenic according to ACMG Guidelines, 2015 [PMID:25741868].